The following is an entry in ClinVar:

ClinVar aggregate classification (germline): Uncertain significance (1 of 4 stars; one submission).

Conditions:
Hereditary spastic paraplegia 39 (SPG39). Also called: SPASTIC PARAPLEGIA 39, AUTOSOMAL RECESSIVE; Spastic Paraplegia Type 39 (SPG39). Identifiers: Orphanet 139480, MedGen C2677586, MONDO:0012787, OMIM 612020.

Allele frequency attached by ClinVar (database versions not stated): gnomAD exomes below 0.00001; TOPMed 0.00002.
gnomAD v4.1: 1 of 1,612,746 alleles (0.000062%); highest among the groups gnomAD compares: East Asian, 0.0022%; no homozygotes.

Submission:

Labcorp Genetics (formerly Invitae), Labcorp
Classification: Uncertain significance for Hereditary spastic paraplegia 39. Last evaluated: 2022-02-08. Review status: criteria provided, single submitter. Criteria: Invitae Variant Classification Sherloc (09022015). Collection method: clinical testing. Allele origin: germline.
Comment: This sequence change replaces threonine, which is neutral and polar, with proline, which is neutral and non-polar, at codon 837 of the PNPLA6 protein (p.Thr837Pro). This variant is not present in population databases (gnomAD no frequency). This variant has not been reported in the literature in individuals affected with PNPLA6-related conditions. ClinVar contains an entry for this variant (Variation ID: 1001925). Algorithms developed to predict the effect of missense changes on protein structure and function (SIFT, PolyPhen-2, Align-GVGD) all suggest that this variant is likely to be tolerated. In summary, the available evidence is currently insufficient to determine the role of this variant in disease. Therefore, it has been classified as a Variant of Uncertain Significance.

NM_001166114.2(PNPLA6):c.2623A>C (p.Thr875Pro)

Gene: PNPLA6 (patatin like domain 6, lysophospholipase; plus strand). Cytogenetic location: 19p13.2.
Variant type: single nucleotide variant.
Coding change: c.2623A>C on transcript NM_001166114.2 (MANE Select); coding-DNA position 2623, A replaced by C.
Protein change: p.Thr875Pro; replaces threonine 875 with proline.
Molecular consequence: missense variant.
Genome position (GRCh38, 1-based): chr19:7,554,712, A>C. VCF-style: chr19-7554712-A-C. GRCh37 (hg19) VCF-style: chr19-7619598-A-C.
Other names: c.2653A>C, p.Thr885Pro (NM_001166111.2); c.2428A>C, p.Thr810Pro (NM_001166112.2); c.2509A>C, p.Thr837Pro (NM_001166113.1, NM_006702.5); short protein forms T810P, T837P, T875P, T885P.
Identifiers: ClinVar variation 1001925 (VCV001001925.8), dbSNP rs1333226218, ClinGen allele CA403129077.